The following is an entry in ClinVar:

NM_006892.4(DNMT3B):c.1841G>A (p.Gly614Glu)

Gene: DNMT3B (DNA methyltransferase 3 beta; plus strand). Cytogenetic location: 20q11.21.
Variant type: single nucleotide variant.
Coding change: c.1841G>A on transcript NM_006892.4 (MANE Select); coding-DNA position 1841, G replaced by A.
Protein change: p.Gly614Glu; replaces glycine 614 with glutamic acid.
Molecular consequence: missense variant.
Genome position (GRCh38, 1-based): chr20:32,800,234, G>A. VCF-style: chr20-32800234-G-A. GRCh37 (hg19) VCF-style: chr20-31388040-G-A.
Other names: c.1655G>A, p.Gly552Glu (NM_001207055.2); c.1553G>A, p.Gly518Glu (NM_001207056.2); c.1781G>A, p.Gly594Glu (NM_175848.2, NM_175849.2); c.1817G>A, p.Gly606Glu (NM_175850.3); short protein forms G594E, G614E, G518E, G552E, G606E.
Identifiers: ClinVar variation 2086907 (VCV002086907.1), dbSNP rs773822999, ClinGen allele CA9810721.

ClinVar aggregate classification (germline): Uncertain significance (1 of 4 stars; one submission).

Conditions:
Centromeric instability of chromosomes 1,9 and 16 and immunodeficiency (ICF1). Also called: Immunodeficiency-centromeric instability-facial anomalies; CENTROMERIC INSTABILITY, IMMUNODEFICIENCY SYNDROME; IMMUNE DEFICIENCY, VARIABLE, WITH CENTROMERIC INSTABILITY OF CHROMOSOMES 1, 9, AND 16; IMMUNODEFICIENCY SYNDROME, VARIABLE. Identifiers: Orphanet 2268, MedGen C0398788, MONDO:0000133.

Allele frequency attached by ClinVar (database versions not stated): gnomAD exomes below 0.00001; ExAC 0.00001; gnomAD 0.00001; TOPMed 0.00001.
gnomAD v4.1: 3 of 1,614,076 alleles (0.00019%); highest among the groups gnomAD compares: Non-Finnish European, 0.00025%; no homozygotes.

Submission:

Labcorp Genetics (formerly Invitae), Labcorp
Classification: Uncertain significance for Centromeric instability of chromosomes 1,9 and 16 and immunodeficiency. Last evaluated: 2022-05-28. Review status: criteria provided, single submitter. Criteria: Invitae Variant Classification Sherloc (09022015). Collection method: clinical testing. Allele origin: germline.
Comment: This sequence change replaces glycine, which is neutral and non-polar, with glutamic acid, which is acidic and polar, at codon 614 of the DNMT3B protein (p.Gly614Glu). This variant is present in population databases (rs773822999, gnomAD 0.007%). This variant has not been reported in the literature in individuals affected with DNMT3B-related conditions. Algorithms developed to predict the effect of missense changes on protein structure and function (SIFT, PolyPhen-2, Align-GVGD) all suggest that this variant is likely to be disruptive. In summary, the available evidence is currently insufficient to determine the role of this variant in disease. Therefore, it has been classified as a Variant of Uncertain Significance.